The following is an entry in ClinVar:

NM_001366385.1(CARD14):c.960G>A (p.Glu320=)

Gene: CARD14 (caspase recruitment domain family member 14; plus strand). Cytogenetic location: 17q25.3.
Variant type: single nucleotide variant.
Coding change: c.960G>A on transcript NM_001366385.1 (MANE Select); coding-DNA position 960, G replaced by A.
Protein change: p.Glu320=; no amino-acid change (glutamic acid 320 retained).
Molecular consequence: synonymous variant. On other transcripts: non-coding transcript variant (1).
Genome position (GRCh38, 1-based): chr17:80,189,869, G>A. VCF-style: chr17-80189869-G-A. GRCh37 (hg19) VCF-style: chr17-78163668-G-A.
Other names: c.960G>A, p.Glu320= (NM_024110.4, NM_001257970.1); c.249G>A, p.Glu83= (NM_052819.3).
Identifiers: ClinVar variation 458110 (VCV000458110.18), dbSNP rs144207494, ClinGen allele CA8816590.
Genomic context (GRCh38, chr17:80,189,869, plus strand): 5'-GCTGGTGGAGCGCATCCACTCGCTGCGGGAGCGGGCCGTGGCTGCCGAGAGGCAGCGAGA[G>A]CAGGTGCCGTGTGAGCCCTTCCTCCCTTGTGACTCTCCTGGGGCTTGTCTCAGGGGTGCG-3'
Protein context (NP_001353314.1, residues 310-330): ERAVAAERQR[Glu320=]QYWEEKEQTL

ClinVar aggregate classification (germline): Benign/Likely benign. Review status: criteria provided, multiple submitters, no conflicts (2 of 4 stars). 4 submissions from 4 submitters: Benign (2); Likely benign (2). Last evaluated 2026-02-02.

Conditions:
Autoinflammatory syndrome. Identifiers: Orphanet 93665, MedGen C3890737, MONDO:0019751.
Pityriasis rubra pilaris (PRP). Also called: Pityriasis rubra pilaris--familial type. Identifiers: Orphanet 2897, MedGen C0032027, MONDO:0100017, OMIM 173200, MONDO:0008251.
Psoriasis 2. Identifiers: MedGen C1864497, MONDO:0011269, OMIM 602723.

Allele frequency attached by ClinVar (database versions not stated): gnomAD 0.00065 and 0.00086; TOPMed 0.00091; 1000 Genomes Project 30x 0.00484; 1000 Genomes Project 0.00579.
gnomAD v4.1: 607 of 1,595,814 alleles (0.038%); highest among the groups gnomAD compares: East Asian, 0.93%; 12 homozygotes.

Submissions (4):

Labcorp Genetics (formerly Invitae), Labcorp
Classification: Benign for Pityriasis rubra pilaris; Psoriasis 2. Last evaluated: 2026-02-02. Review status: criteria provided, single submitter. Criteria: Invitae Variant Classification Sherloc (09022015). Collection method: clinical testing. Allele origin: germline.

Women's Health and Genetics/Laboratory Corporation of America, LabCorp
Classification: Benign. Last evaluated: 2026-01-22. Review status: criteria provided, single submitter. Criteria: LabCorp Variant Classification Summary - May 2015. Collection method: clinical testing. Allele origin: germline.

Genome Diagnostics Laboratory, The Hospital for Sick Children
Classification: Likely benign for Autoinflammatory syndrome. Last evaluated: 2021-11-25. Review status: criteria provided, single submitter. Criteria: ACMG Guidelines, 2015. Collection method: clinical testing. Allele origin: germline. Affected: yes.

Center for Genomics, Ann and Robert H. Lurie Children's Hospital of Chicago
Classification: Likely benign for Psoriasis 2; Pityriasis rubra pilaris. Review status: criteria provided, single submitter. Criteria: ACMG Guidelines, 2015. Collection method: clinical testing. Allele origin: germline.
Comment: This variant has not been reported in the literature but is present in the Genome Aggregation Database (Highest reported MAF 0.09% (15/15282). This variant is present in ClinVar, with multiple labs classifying this variant as Likely Benign or Benign (Variation ID:458110). Evolutionary conservation and computational predictive tools for this variant are limited or unavailable. Of note, this variant is a silent variant and does not change the amino acid, reducing the probability that this variant is disease causing. In summary, data on this variant suggests that this variant does not cause disease but requires further evidence. Therefore, this variant is classified as likely benign.